The following is an entry in ClinVar:

NC_000006.12:g.(?_10556404)_(10626627_?)del

Gene: GCNT2 (glucosaminyl (N-acetyl) transferase 2 (I blood group); plus strand). Cytogenetic location: 6p24.3-24.2.
Variant type: Deletion.
Identifiers: ClinVar variation 830756 (VCV000830756.1).

ClinVar aggregate classification (germline): Pathogenic (1 of 4 stars; one submission).

Conditions:
Cataract 13 with adult I phenotype. Identifiers: Orphanet 91492, MedGen C3805373, MONDO:0007289, OMIM 116700.

Submission:

Labcorp Genetics (formerly Invitae), Labcorp
Classification: Pathogenic for Cataract 13 with adult i phenotype. Last evaluated: 2019-10-03. Review status: criteria provided, single submitter. Criteria: Invitae Variant Classification Sherloc (09022015). Collection method: clinical testing. Allele origin: germline.
Comment: A gross deletion of the genomic region encompassing the full coding sequence of the GCNT2 gene has been identified. The boundaries of this event are unknown as the deletion extends beyond the assayed region for this gene and therefore may encompass additional genes. A similar deletion has been observed in an individual affected with adult i phenotype (PMID: 11739194). This gene is also known as IGNT in the literature. Loss-of-function variants in GCNT2 are known to be pathogenic (PMID: 15161861). For these reasons, this variant has been classified as Pathogenic.

Literature cited by the submitters: PubMed 11739194.